The following is an entry in ClinVar:

NM_000059.4(BRCA2):c.6122C>T (p.Ser2041Phe)

Gene: BRCA2 (BRCA2 DNA repair associated; plus strand). Cytogenetic location: 13q13.1.
Variant type: single nucleotide variant.
Coding change: c.6122C>T on transcript NM_000059.4 (MANE Select); coding-DNA position 6122, C replaced by T.
Protein change: p.Ser2041Phe; replaces serine 2041 with phenylalanine.
Molecular consequence: missense variant.
Genome position (GRCh38, 1-based): chr13:32,340,477, C>T. VCF-style: chr13-32340477-C-T. GRCh37 (hg19) VCF-style: chr13-32914614-C-T.
Other names: c.6122C>T, p.Ser2041Phe (NM_001406719.1, NM_001406720.1); short protein forms S2041F.
Identifiers: ClinVar variation 2098267 (VCV002098267.6), dbSNP rs2137524491, ClinGen allele CA387788173.

ClinVar aggregate classification (germline): Conflicting classifications of pathogenicity. Review status: criteria provided, conflicting classifications (1 of 4 stars). 2 submissions from 2 submitters: Uncertain significance (1); Likely benign (1). Last evaluated 2023-03-23.

Conditions:
Hereditary cancer-predisposing syndrome. Also called: Hereditary neoplastic syndrome; Neoplastic Syndromes, Hereditary; Tumor predisposition; Hereditary Cancer Syndrome. Identifiers: Orphanet 140162, MedGen C0027672, MeSH D009386, MONDO:0015356.
Hereditary breast ovarian cancer syndrome. Also called: Hereditary breast and/or ovarian cancer syndrome; Hereditary breast and ovarian cancer syndrome; Hereditary breast and ovarian cancer; Hereditary breast and ovarian cancer syndrome (HBOC); Breast and ovarian cancer; BRCA1- and BRCA2-Associated Hereditary Breast and Ovarian Cancer. Identifiers: Orphanet 145, MedGen C0677776, MeSH D061325, MONDO:0003582. Disease mechanism: loss of function.

Submissions (2):

University of Washington Department of Laboratory Medicine, University of Washington
Classification: Likely benign for Hereditary cancer-predisposing syndrome. Last evaluated: 2023-03-23. Review status: criteria provided, single submitter. Criteria: Dines et al. (Genet Med. 2020). Collection method: curation. Allele origin: germline.
Comment: Missense variant in a coldspot region where missense variants are very unlikely to be pathogenic (PMID:31911673).

BRCA2 exon 11 coldspot. Reclassification based on statistical prior probability.

Labcorp Genetics (formerly Invitae), Labcorp
Classification: Uncertain significance for Hereditary breast ovarian cancer syndrome. Last evaluated: 2022-02-18. Review status: criteria provided, single submitter. Criteria: Invitae Variant Classification Sherloc (09022015). Collection method: clinical testing. Allele origin: germline.
Comment: This sequence change replaces serine, which is neutral and polar, with phenylalanine, which is neutral and non-polar, at codon 2041 of the BRCA2 protein (p.Ser2041Phe). In summary, the available evidence is currently insufficient to determine the role of this variant in disease. Therefore, it has been classified as a Variant of Uncertain Significance. Advanced modeling of protein sequence and biophysical properties (such as structural, functional, and spatial information, amino acid conservation, physicochemical variation, residue mobility, and thermodynamic stability) performed at Invitae indicates that this missense variant is not expected to disrupt BRCA2 protein function. This variant has not been reported in the literature in individuals affected with BRCA2-related conditions. This variant is not present in population databases (gnomAD no frequency).